The following is an entry in ClinVar:

NM_003660.4(PPFIA3):c.1410G>A (p.Lys470=)

Gene: PPFIA3 (PPFI scaffold protein A3; plus strand). Cytogenetic location: 19q13.33.
Variant type: single nucleotide variant.
Coding change: c.1410G>A on transcript NM_003660.4 (MANE Select); coding-DNA position 1410, G replaced by A.
Protein change: p.Lys470=; no amino-acid change (lysine 470 retained).
Molecular consequence: synonymous variant. On other transcripts: non-coding transcript variant (1).
Genome position (GRCh38, 1-based): chr19:49,134,671, G>A. VCF-style: chr19-49134671-G-A. GRCh37 (hg19) VCF-style: chr19-49637928-G-A.
Identifiers: ClinVar variation 4821821 (VCV004821821.4).

ClinVar aggregate classification (germline): Likely benign (1 of 4 stars; one submission).

gnomAD v4.1: 445 of 1,614,046 alleles (0.028%); highest among the groups gnomAD compares: African/African-American, 0.54%; 3 homozygotes.

Submission:

CeGaT Center for Human Genetics Tuebingen
Classification: Likely benign. Last evaluated: 2026-02-01. Review status: criteria provided, single submitter. Criteria: CeGaT Center For Human Genetics Tuebingen Variant Classification Criteria Version 2. Collection method: clinical testing. Allele origin: germline. Affected: yes. Observed: 1 variant allele.
Comment: PPFIA3: BP4, BP7